The following is an entry in ClinVar:

NM_198053.3(CD247):c.360G>A (p.Ala120=)

Gene: CD247 (CD247 molecule; minus strand). Cytogenetic location: 1q24.2.
Variant type: single nucleotide variant.
Coding change: c.360G>A on transcript NM_198053.3 (MANE Select); coding-DNA position 360, G replaced by A.
Protein change: p.Ala120=; no amino-acid change (alanine 120 retained).
Molecular consequence: synonymous variant.
Genome position (GRCh38, 1-based): chr1:167,434,053, C>T on the plus strand (G>A on the coding strand, the complement: CD247 is on the minus strand). VCF-style: chr1-167434053-C-T. GRCh37 (hg19) VCF-style: chr1-167403290-C-T.
Other names: c.357G>A, p.Ala119= (NM_000734.4); c.453G>A, p.Ala151= (NM_001378515.1); c.450G>A, p.Ala150= (NM_001378516.1).
Identifiers: ClinVar variation 704386 (VCV000704386.15), dbSNP rs568106106, ClinGen allele CA1225929.

ClinVar aggregate classification (germline): Likely benign. Review status: criteria provided, multiple submitters, no conflicts (2 of 4 stars). 5 submissions from 5 submitters: Likely benign (4). 1 of the submissions does not count toward it. Last evaluated 2026-01-22.

Conditions:
Immunodeficiency 25. Also called: Immunodeficiency due to defect in cd3-zeta, somatic. Identifiers: MedGen C1857798, MONDO:0012426, OMIM 610163.
CD247-related disorder. Also called: CD247-related condition.

Allele frequency attached by ClinVar (database versions not stated): gnomAD exomes 0.00009 and 0.00031; ExAC 0.00011; 1000 Genomes Project 30x 0.00016; 1000 Genomes Project 0.00020; gnomAD 0.00054 and 0.00058; TOPMed 0.00067.
gnomAD v4.1: 213 of 1,614,110 alleles (0.013%); highest among the groups gnomAD compares: Admixed American, 0.32%; 1 homozygote.

Submissions (5):

Women's Health and Genetics/Laboratory Corporation of America, LabCorp
Classification: Likely benign. Last evaluated: 2026-01-22. Review status: criteria provided, single submitter. Criteria: LabCorp Variant Classification Summary - May 2015. Collection method: clinical testing. Allele origin: germline.

Labcorp Genetics (formerly Invitae), Labcorp
Classification: Likely benign for Immunodeficiency 25. Last evaluated: 2025-12-30. Review status: criteria provided, single submitter. Criteria: Invitae Variant Classification Sherloc (09022015). Collection method: clinical testing. Allele origin: germline.

Blueprint Genetics
Classification: Likely benign. Last evaluated: 2024-06-10. Review status: criteria provided, single submitter. Criteria: ACMG Guidelines, 2015. Collection method: clinical testing. Allele origin: germline.

Breakthrough Genomics
Classification: Likely benign. Review status: criteria provided, single submitter. Criteria: ACMG Guidelines, 2015. Collection method: not provided. Allele origin: germline. Inheritance: Autosomal recessive inheritance. Affected: yes.

PreventionGenetics, part of Exact Sciences
Classification: Likely benign for CD247-related condition. Last evaluated: 2019-11-25. Review status: no assertion criteria provided. Collection method: clinical testing. Allele origin: germline. Not counted in ClinVar's aggregate classification.
Comment: This variant is classified as likely benign based on ACMG/AMP sequence variant interpretation guidelines (Richards et al. 2015 PMID: 25741868, with internal and published modifications).